The following is an entry in ClinVar:

NM_001853.4(COL9A3):c.308G>A (p.Arg103Gln)

Gene: COL9A3 (collagen type IX alpha 3 chain; plus strand). Cytogenetic location: 20q13.33.
Variant type: single nucleotide variant.
Coding change: c.308G>A on transcript NM_001853.4 (MANE Select); coding-DNA position 308, G replaced by A.
Protein change: p.Arg103Gln; replaces arginine 103 with glutamine.
Molecular consequence: missense variant.
Genome position (GRCh38, 1-based): chr20:62,819,981, G>A. VCF-style: chr20-62819981-G-A. GRCh37 (hg19) VCF-style: chr20-61451333-G-A.
Other names: c.308G>A, p.Arg103Gln (LRG_1253t1); short protein forms R103Q.
Identifiers: ClinVar variation 197734 (VCV000197734.50), dbSNP rs142639450, ClinGen allele CA203049.

ClinVar aggregate classification (germline): Benign/Likely benign. Review status: criteria provided, multiple submitters, no conflicts (2 of 4 stars). 12 submissions from 12 submitters: Benign (9); Likely benign (1). 2 of the submissions do not count toward it. Last evaluated 2026-09-01.

Conditions:
Connective tissue disorder. Also called: Connective tissue disease. Identifiers: MedGen C0009782, MONDO:0003900.

Allele frequency attached by ClinVar (database versions not stated): TOPMed 0.00826; gnomAD 0.00847 and 0.00974; ESP Exome Variant Server 0.00946; gnomAD exomes 0.01360 and 0.01513; 1000 Genomes Project 30x 0.01405; 1000 Genomes Project 0.01458; ExAC 0.01459.
gnomAD v4.1: 23,376 of 1,612,462 alleles (1.4%); highest among the groups gnomAD compares: South Asian, 4.2%; 279 homozygotes.

Submissions (12):

CeGaT Center for Human Genetics Tuebingen
Classification: Benign. Last evaluated: 2026-09-01. Review status: criteria provided, single submitter. Criteria: CeGaT Center For Human Genetics Tuebingen Variant Classification Criteria Version 2. Collection method: clinical testing. Allele origin: germline. Affected: yes. Observed: 27 variant alleles.
Comment: COL9A3: BS1, BS2

Women's Health and Genetics/Laboratory Corporation of America, LabCorp
Classification: Likely benign. Last evaluated: 2026-05-11. Review status: criteria provided, single submitter. Criteria: LabCorp Variant Classification Summary - May 2015. Collection method: clinical testing. Allele origin: germline.

Labcorp Genetics (formerly Invitae), Labcorp
Classification: Benign. Last evaluated: 2026-02-04. Review status: criteria provided, single submitter. Criteria: Invitae Variant Classification Sherloc (09022015). Collection method: clinical testing. Allele origin: germline.

Genome Diagnostics Laboratory, The Hospital for Sick Children
Classification: Benign for Connective tissue disorder. Last evaluated: 2022-03-05. Review status: criteria provided, single submitter. Criteria: ACMG Guidelines, 2015. Collection method: clinical testing. Allele origin: germline.

Mayo Clinic Laboratories, Mayo Clinic
Classification: Benign. Last evaluated: 2021-03-11. Review status: criteria provided, single submitter. Criteria: ACMG Guidelines, 2015. Collection method: clinical testing. Allele origin: germline. Observed: 3 variant alleles.

Athena Diagnostics
Classification: Benign. Last evaluated: 2020-08-06. Review status: criteria provided, single submitter. Criteria: Athena Diagnostics Criteria. Collection method: clinical testing. Allele origin: unknown.

GeneDx
Classification: Benign. Last evaluated: 2018-10-31. Review status: criteria provided, single submitter. Criteria: GeneDx Variant Classification Process June 2021. Collection method: clinical testing. Allele origin: germline. Affected: yes.
Comment: This variant is associated with the following publications: (PMID: 30467950)

Eurofins Ntd Llc (ga)
Classification: Benign. Last evaluated: 2015-03-07. Review status: criteria provided, single submitter. Criteria: EGL Classification Definitions 2015. Collection method: clinical testing. Allele origin: germline. Observed: 1 variant allele, 1 heterozygote.

Breakthrough Genomics
Classification: Benign. Review status: criteria provided, single submitter. Criteria: ACMG Guidelines, 2015. Collection method: not provided. Allele origin: germline. Inheritance: Autosomal recessive inheritance. Affected: yes.

PreventionGenetics, part of Exact Sciences
Classification: Benign. Review status: criteria provided, single submitter. Criteria: ACMG Guidelines, 2015. Collection method: clinical testing. Allele origin: germline.

Genome Diagnostics Laboratory, Amsterdam University Medical Center
Classification: Benign. Review status: no assertion criteria provided. Collection method: clinical testing. Allele origin: germline. Affected: yes. Study: VKGL Data-share Consensus. Not counted in ClinVar's aggregate classification.

Laboratory of Diagnostic Genome Analysis, Leiden University Medical Center (LUMC)
Classification: Likely benign. Review status: no assertion criteria provided. Collection method: clinical testing. Allele origin: germline. Affected: yes. Study: VKGL Data-share Consensus. Not counted in ClinVar's aggregate classification.

Literature cited by the submitters: PubMed 15917166 (cited by Athena Diagnostics and Eurofins Ntd Llc (ga)); PubMed 11565064 (cited by Athena Diagnostics and Eurofins Ntd Llc (ga)); PubMed 30467950 (cited by Athena Diagnostics); PubMed 28507545 (cited by Athena Diagnostics).